The following is an entry in ClinVar:

NM_000153.4(GALC):c.896G>A (p.Gly299Asp)

Gene: GALC (galactosylceramidase; minus strand). Cytogenetic location: 14q31.3.
Variant type: single nucleotide variant.
Coding change: c.896G>A on transcript NM_000153.4 (MANE Select); coding-DNA position 896, G replaced by A.
Protein change: p.Gly299Asp; replaces glycine 299 with aspartic acid.
Molecular consequence: missense variant.
Genome position (GRCh38, 1-based): chr14:87,968,347, C>T on the plus strand (G>A on the coding strand, the complement: GALC is on the minus strand). VCF-style: chr14-87968347-C-T. GRCh37 (hg19) VCF-style: chr14-88434691-C-T.
Other names: c.827G>A, p.Gly276Asp (NM_001201401.2); c.818G>A, p.Gly273Asp (NM_001201402.2); c.896G>A (NM_000153.3); short protein forms G273D, G276D, G299D.
Identifiers: ClinVar variation 1685323 (VCV001685323.5), dbSNP rs1566993126, ClinGen allele CA390747710.

ClinVar aggregate classification (germline): Conflicting classifications of pathogenicity. Review status: criteria provided, conflicting classifications (1 of 4 stars). 5 submissions from 5 submitters: Likely pathogenic (2); Uncertain significance (3). Last evaluated 2025-09-24.

Conditions:
Galactosylceramide beta-galactosidase deficiency. Also called: Leukodystrophy, Globoid Cell; GALACTOCEREBROSIDASE DEFICIENCY; GALC DEFICIENCY; GLOBOID CELL LEUKOENCEPHALOPATHY; Krabbe Disease. Identifiers: Orphanet 487, MedGen C0023521, MONDO:0009499, OMIM 245200.
Inborn genetic diseases. Identifiers: MedGen C0950123, MeSH D030342.

Allele frequency attached by ClinVar (database versions not stated): gnomAD exomes below 0.00001; TOPMed below 0.00001.

Submissions (5):

Genesolutions, Medical Genetics Institutes, Ho Chi Minh City, Vietnam
Classification: Likely pathogenic for Galactosylceramide beta-galactosidase deficiency. Last evaluated: 2025-09-24. Review status: criteria provided, single submitter. Criteria: ACMG Guidelines, 2015. Collection method: clinical testing. Allele origin: germline. Affected: yes.

Labcorp Genetics (formerly Invitae), Labcorp
Classification: Uncertain significance for Galactosylceramide beta-galactosidase deficiency. Last evaluated: 2025-07-29. Review status: criteria provided, single submitter. Criteria: Invitae Variant Classification Sherloc (09022015). Collection method: clinical testing. Allele origin: germline.
Comment: This sequence change replaces glycine, which is neutral and non-polar, with aspartic acid, which is acidic and polar, at codon 299 of the GALC protein (p.Gly299Asp). This variant is not present in population databases (gnomAD no frequency). This variant has not been reported in the literature in individuals affected with GALC-related conditions. ClinVar contains an entry for this variant (Variation ID: 1685323). Invitae Evidence Modeling of protein sequence and biophysical properties (such as structural, functional, and spatial information, amino acid conservation, physicochemical variation, residue mobility, and thermodynamic stability) indicates that this missense variant is expected to disrupt GALC protein function with a positive predictive value of 95%. In summary, the available evidence is currently insufficient to determine the role of this variant in disease. Therefore, it has been classified as a Variant of Uncertain Significance.

Ambry Genetics
Classification: Uncertain significance for Inborn genetic diseases. Last evaluated: 2025-05-28. Review status: criteria provided, single submitter. Criteria: Ambry Variant Classification Scheme 2023. Collection method: clinical testing. Allele origin: germline.

Mendelics
Classification: Likely pathogenic for Galactosylceramide beta-galactosidase deficiency. Last evaluated: 2022-05-04. Review status: criteria provided, single submitter. Criteria: Mendelics Assertion Criteria 2019. Collection method: clinical testing. Allele origin: germline.

Laboratorio de Genetica e Diagnostico Molecular, Hospital Israelita Albert Einstein
Classification: Uncertain significance. Last evaluated: 2019-04-16. Review status: criteria provided, single submitter. Criteria: ACMG Guidelines, 2015. Collection method: clinical testing. Allele origin: germline. Affected: yes.
Comment: ACMG classification criteria: PM1, PM2, PP3